The following is an entry in ClinVar:

ClinVar aggregate classification (germline): Likely pathogenic (1 of 4 stars; one submission).

Conditions:
Autosomal recessive Parkinson disease 14. Also called: PARKINSON DISEASE 14; DYSTONIA-PARKINSONISM, ADULT-ONSET. Identifiers: Orphanet 199351, MedGen C2751842, MONDO:0013060, OMIM 612953.
Infantile neuroaxonal dystrophy (NBIA2A). Also called: NEURODEGENERATION WITH BRAIN IRON ACCUMULATION 2A; Infantile neuroaxonal dystrophy 1; SEITELBERGER DISEASE. Identifiers: Orphanet 35069, MedGen C0270724, MONDO:0024457, OMIM 256600.
Neurodegeneration with brain iron accumulation 2B. Also called: aNAD; atypical Neuroaxonal Dystrophy (aNAD); NEUROAXONAL DYSTROPHY, ATYPICAL; NEURODEGENERATION WITH BRAIN IRON ACCUMULATION, PLA2G6-RELATED. Identifiers: Orphanet 35069, MedGen C1857747, MONDO:0012444, OMIM 610217.

Submission:

Juno Genomics, Hangzhou Juno Genomics, Inc
Classification: Likely pathogenic for Infantile neuroaxonal dystrophy; Neurodegeneration with brain iron accumulation 2B; Autosomal recessive Parkinson disease 14. Review status: criteria provided, single submitter. Criteria: ACMG Guidelines, 2015. Collection method: clinical testing. Allele origin: germline.
Comment: Absent from controls (or at extremely low frequency if recessive) in Genome Aggregation Database.;For recessive disorders, detected in trans with a pathogenic variant.;Patient's phenotype or family history is highly specific for a disease with a single genetic etiology.;Multiple lines of computational evidence support a deleterious effect on the gene or gene product.

NM_003560.4(PLA2G6):c.1972A>G (p.Asn658Asp)

Gene: PLA2G6 (phospholipase A2 group VI; minus strand). Cytogenetic location: 22q13.1.
Variant type: single nucleotide variant.
Coding change: c.1972A>G on transcript NM_003560.4 (MANE Select); coding-DNA position 1972, A replaced by G.
Protein change: p.Asn658Asp; replaces asparagine 658 with aspartic acid.
Molecular consequence: missense variant.
Genome position (GRCh38, 1-based): chr22:38,115,589, T>C on the plus strand (A>G on the coding strand, the complement: PLA2G6 is on the minus strand). VCF-style: chr22-38115589-T-C. GRCh37 (hg19) VCF-style: chr22-38511596-T-C.
Other names: c.1810A>G, p.Asn604Asp (NM_001004426.3, NM_001199562.3, NM_001349865.2 and 1 more transcripts); c.1972A>G, p.Asn658Asp (NM_001349864.2); c.1438A>G, p.Asn480Asp (NM_001349867.2); c.1294A>G, p.Asn432Asp (NM_001349868.2); c.1276A>G, p.Asn426Asp (NM_001349869.2); short protein forms N426D, N604D, N480D, N658D, N432D.
Identifiers: ClinVar variation 5006492 (VCV005006492.2).